The following is an entry in ClinVar:

ClinVar aggregate classification (germline): Uncertain significance (1 of 4 stars; one submission).

Submission:

GeneDx
Classification: Uncertain significance. Last evaluated: 2020-01-16. Review status: criteria provided, single submitter. Criteria: GeneDx Variant Classification Process June 2021. Collection method: clinical testing. Allele origin: germline. Affected: yes.
Comment: Not observed in large population cohorts (Lek et al., 2016); In silico analysis, which includes protein predictors and evolutionary conservation, supports that this variant does not alter protein structure/function; Has not been previously published as pathogenic or benign to our knowledge

NM_006662.3(SRCAP):c.4031C>A (p.Pro1344Gln)

Gene: SRCAP (Snf2 related CREBBP activator protein; plus strand). Cytogenetic location: 16p11.2.
Variant type: single nucleotide variant.
Coding change: c.4031C>A on transcript NM_006662.3 (MANE Select); coding-DNA position 4031, C replaced by A.
Protein change: p.Pro1344Gln; replaces proline 1344 with glutamine.
Molecular consequence: missense variant.
Genome position (GRCh38, 1-based): chr16:30,723,101, C>A. VCF-style: chr16-30723101-C-A. GRCh37 (hg19) VCF-style: chr16-30734422-C-A.
Other names: short protein forms P1344Q.
Identifiers: ClinVar variation 1311202 (VCV001311202.2), dbSNP rs2151293675, ClinGen allele CA395615207.